The following is an entry in ClinVar:

ClinVar aggregate classification (germline): Uncertain significance (0 of 4 stars; one submission).

Submission:

Department of Pathology and Laboratory Medicine, Sinai Health System
Classification: Uncertain significance. Review status: no assertion criteria provided. Collection method: clinical testing. Allele origin: unknown. Affected: yes. Study: The Canadian Open Genetics Repository (COGR).
Comment: The NDUFB3 p.Lys59Asn variant was not identified in the literature nor was it identified in dbSNP, ClinVar, Cosmic or LOVD 3.0. The variant was also not identified in the following control databases: the 1000 Genomes Project, the NHLBI GO Exome Sequencing Project, the Exome Aggregation Consortium (August 8th 2016), or the Genome Aggregation Database (Feb 27, 2017). The variant occurs outside of the splicing consensus sequence and two of four in silico or computational prediction software programs (SpliceSiteFinder, MaxEntScan) predict a greater than 10% difference in splicing; SpliceSiteFinder-like and MaxEntScan predict the gain of a 3' splice site at c.180. The p.Lys59 residue is not conserved in mammals and computational analyses (PolyPhen-2, SIFT, AlignGVGD, BLOSUM, MutationTaster) do not suggest a high likelihood of impact to the protein; however, this information is not predictive enough to rule out pathogenicity. In summary, based on the above information the clinical significance of this variant cannot be determined with certainty at this time. This variant is classified as a variant of uncertain significance.

NM_002491.3(NDUFB3):c.177G>C (p.Lys59Asn)

Gene: NDUFB3 (NADH:ubiquinone oxidoreductase subunit B3; plus strand). Cytogenetic location: 2q33.1.
Variant type: single nucleotide variant.
Coding change: c.177G>C on transcript NM_002491.3 (MANE Select); coding-DNA position 177, G replaced by C.
Protein change: p.Lys59Asn; replaces lysine 59 with asparagine.
Molecular consequence: missense variant.
Genome position (GRCh38, 1-based): chr2:201,085,495, G>C. VCF-style: chr2-201085495-G-C. GRCh37 (hg19) VCF-style: chr2-201950218-G-C.
Other names: c.177G>C, p.Lys59Asn (NM_001257102.2); short protein forms K59N.
Identifiers: ClinVar variation 1049084 (VCV001049084.1), dbSNP rs569880652, ClinGen allele CA350270010.
Genomic context (GRCh38, chr2:201,085,495, plus strand): 5'-AATTTTTTCTTTTTTTTTTTCTAGCAATGAAGCTTGGAGATACATGGGTGGCTTTGCAAA[G>C]AGTGTTTCCTTTTCTGATGTATTCTTTAAAGGATTCAAATGGGGATTTGCTGCATTTGTG-3'
Protein context (NP_002482.1, residues 49-69): EAWRYMGGFA[Lys59Asn]SVSFSDVFFK